The following is an entry in ClinVar:

NM_006531.5(IFT88):c.2122G>T (p.Glu708Ter)

Gene: IFT88 (intraflagellar transport 88; plus strand). Cytogenetic location: 13q12.11.
Variant type: single nucleotide variant.
Coding change: c.2122G>T on transcript NM_006531.5 (MANE Select); coding-DNA position 2122, G replaced by T.
Protein change: p.Glu708Ter; replaces glutamic acid 708 with a stop codon.
Molecular consequence: nonsense. On other transcripts: missense variant (1), non-coding transcript variant (5).
Genome position (GRCh38, 1-based): chr13:20,663,551, G>T. VCF-style: chr13-20663551-G-T. GRCh37 (hg19) VCF-style: chr13-21237690-G-T.
Other names: c.2065G>T, p.Glu689Ter (NM_001318491.2); c.2149G>T, p.Glu717Ter (NM_001318493.2, NM_001353565.2, NM_001353566.2 and 2 more transcripts); c.2122G>T, p.Glu708Ter (NM_001353568.2, NM_001353572.2); c.2047G>T, p.Glu683Ter (NM_001353569.2, NM_001353570.2, NM_001353576.2 and 1 more transcripts); c.2020G>T, p.Glu674Ter (NM_001353571.2, NM_001353578.2); c.1978G>T, p.Glu660Ter (NM_001353573.2); c.1963G>T, p.Glu655Ter (NM_001353574.2); c.2189G>T, p.Arg730Ile (NM_001353575.2); and 1 more; short protein forms E497*, E655*, E660*, E674*, E683*, E689*, E708*, E717*.
Identifiers: ClinVar variation 4805331 (VCV004805331.1).

ClinVar aggregate classification (germline): Uncertain significance (1 of 4 stars; one submission).

Submission:

Labcorp Genetics (formerly Invitae), Labcorp
Classification: Uncertain significance. Last evaluated: 2025-12-28. Review status: criteria provided, single submitter. Criteria: Invitae Variant Classification Sherloc (09022015). Collection method: clinical testing. Allele origin: germline.
Comment: This sequence change creates a premature translational stop signal (p.Glu717*) in the IFT88 gene. It is expected to result in an absent or disrupted protein product. However, the current clinical and genetic evidence is not sufficient to establish whether loss-of-function variants in IFT88 cause disease. This variant is present in population databases (no rsID available, gnomAD 0.007%). This variant has not been reported in the literature in individuals affected with IFT88-related conditions. Algorithms developed to predict the effect of sequence changes on RNA splicing suggest that this variant may disrupt the consensus splice site. In summary, the available evidence is currently insufficient to determine the role of this variant in disease. Therefore, it has been classified as a Variant of Uncertain Significance.